The following is an entry in ClinVar:

NM_001267550.2(TTN):c.87046_87049del (p.Phe29016fs)

Genes: TTN-AS1 (TTN antisense RNA 1; plus strand), TTN (titin; minus strand). Cytogenetic location: 2q31.2.
Variant type: Deletion.
Coding change: c.87046_87049del on transcript NM_001267550.2 (MANE Select); coding-DNA positions 87046 to 87049, 4 bases deleted (TTTG; older notation c.87046_87049delTTTG).
Protein change: p.Phe29016fs; shifts the reading frame from phenylalanine 29016.
Molecular consequence: frameshift variant.
Genome position (GRCh38, 1-based): chr2:178,558,410-178,558,413, CAAA deleted on the plus strand (TTTG on the coding strand, the reverse complement: TTN is on the minus strand); deleting any 4 consecutive bases within chr2:178,558,410-178,558,415 gives the same sequence; the c. name uses the placement nearest the transcript's 3' end. VCF-style (leftmost placement, unchanged base first): chr2-178558409-GCAAA-G. GRCh37 (hg19) VCF-style: chr2-179423136-GCAAA-G.
Other names: c.82123_82126del, p.Phe27375fs (NM_001256850.1); c.59851_59854del, p.Phe19951fs (NM_003319.4); c.79342_79345del, p.Phe26448fs (NM_133378.4); c.60226_60229del, p.Phe20076fs (NM_133432.3); c.60427_60430del, p.Phe20143fs (NM_133437.4); c.82123_82126delTTTG (NM_001256850.1); short protein forms F20143fs, F26448fs, F20076fs, F27375fs, F29016fs, F19951fs.
Identifiers: ClinVar variation 817056 (VCV000817056.7), dbSNP rs1575592653, ClinGen allele CA430247654.

ClinVar aggregate classification (germline): Likely pathogenic. Review status: criteria provided, multiple submitters, no conflicts (2 of 4 stars). 2 submissions from 2 submitters: Likely pathogenic (2). Last evaluated 2022-08-29.

Conditions:
Autosomal recessive limb-girdle muscular dystrophy type 2J (LGMDR10). Also called: Limb-girdle muscular dystrophy, type 2J; MUSCULAR DYSTROPHY, LIMB-GIRDLE, AUTOSOMAL RECESSIVE 10. Identifiers: Orphanet 140922, MedGen C1837342, MONDO:0012127, OMIM 608807.
Dilated cardiomyopathy 1G (CMD1G). Identifiers: Orphanet 154, MedGen C1858763, MONDO:0011400, OMIM 604145.

Submissions (2):

Labcorp Genetics (formerly Invitae), Labcorp
Classification: Likely pathogenic for Dilated cardiomyopathy 1G; Autosomal recessive limb-girdle muscular dystrophy type 2J. Last evaluated: 2022-08-29. Review status: criteria provided, single submitter. Criteria: Invitae Variant Classification Sherloc (09022015). Collection method: clinical testing. Allele origin: germline.
Comment: This sequence change creates a premature translational stop signal (p.Phe29016Leufs*7) in the TTN gene. While this is not anticipated to result in nonsense mediated decay, it is expected to create a truncated TTN protein. This variant is not present in population databases (gnomAD no frequency). This variant has not been reported in the literature in individuals affected with TTN-related conditions. ClinVar contains an entry for this variant (Variation ID: 817056). This variant is located in the A band of TTN (PMID: 25589632). Truncating variants in this region are significantly overrepresented in patients affected with dilated cardiomyopathy (PMID: 25589632). Truncating variants in this region have also been reported in individuals affected with autosomal recessive centronuclear myopathy (PMID: 23975875). In summary, the currently available evidence indicates that the variant is pathogenic, but additional data are needed to prove that conclusively. Therefore, this variant has been classified as Likely Pathogenic.

GeneDx
Classification: Likely pathogenic. Last evaluated: 2021-10-01. Review status: criteria provided, single submitter. Criteria: GeneDx Variant Classification Process June 2021. Collection method: clinical testing. Allele origin: germline. Affected: yes.
Comment: Has not been previously published as pathogenic or benign to our knowledge; Not observed at significant frequency in large population cohorts (Lek et al., 2016); Frameshift variant predicted to result in protein truncation or nonsense mediated decay in a gene for which loss-of-function is a known mechanism of disease; Located in the A-band region of the TTN gene, where the majority of truncating pathogenic variants associated with dilated cardiomyopathy have been reported (Herman et al., 2012)

Literature cited by the submitters: PubMed 25589632 (cited by Labcorp Genetics (formerly Invitae), Labcorp); PubMed 23975875 (cited by Labcorp Genetics (formerly Invitae), Labcorp).